The following is an entry in ClinVar:

ClinVar aggregate classification (germline): Likely benign (1 of 4 stars; one submission).

gnomAD v4.1: 45 of 1,613,970 alleles (0.0028%); highest among the groups gnomAD compares: Admixed American, 0.023%; no homozygotes.

Submission:

CeGaT Center for Human Genetics Tuebingen
Classification: Likely benign. Last evaluated: 2026-04-01. Review status: criteria provided, single submitter. Criteria: CeGaT Center For Human Genetics Tuebingen Variant Classification Criteria Version 2. Collection method: clinical testing. Allele origin: germline. Affected: yes. Observed: 1 variant allele.
Comment: TRPM3: BP4, BP7

NM_001366145.2(TRPM3):c.3546C>T (p.Ser1182=)

Gene: TRPM3 (transient receptor potential cation channel subfamily M member 3; minus strand). Cytogenetic location: 9q21.12.
Variant type: single nucleotide variant.
Coding change: c.3546C>T on transcript NM_001366145.2 (MANE Select); coding-DNA position 3546, C replaced by T.
Protein change: p.Ser1182=; no amino-acid change (serine 1182 retained).
Molecular consequence: synonymous variant.
Genome position (GRCh38, 1-based): chr9:70,552,872, G>A on the plus strand (C>T on the coding strand, the complement: TRPM3 is on the minus strand). VCF-style: chr9-70552872-G-A. GRCh37 (hg19) VCF-style: chr9-73167788-G-A.
Other names: c.3510C>T, p.Ser1170= (NM_001007471.4, NM_001366151.2); c.3516C>T, p.Ser1172= (NM_001366141.2, NM_001366143.2, NM_001366149.2); c.3552C>T, p.Ser1184= (NM_001366142.2); c.3546C>T, p.Ser1182= (NM_001366146.2); c.3621C>T, p.Ser1207= (NM_001366147.2, NM_001366152.2); c.3591C>T, p.Ser1197= (NM_001366148.2); c.3480C>T, p.Ser1160= (NM_001366150.2); c.3087C>T, p.Ser1029= (NM_001366154.2, NM_024971.7); and 5 more.
Identifiers: ClinVar variation 4872314 (VCV004872314.2).